The following is an entry in ClinVar:

NM_001378328.1(CELSR1):c.6541G>A (p.Ala2181Thr)

Gene: CELSR1 (cadherin EGF LAG seven-pass G-type receptor 1; minus strand). Cytogenetic location: 22q13.31.
Variant type: single nucleotide variant.
Coding change: c.6541G>A on transcript NM_001378328.1 (MANE Select); coding-DNA position 6541, G replaced by A.
Protein change: p.Ala2181Thr; replaces alanine 2181 with threonine.
Molecular consequence: missense variant.
Genome position (GRCh38, 1-based): chr22:46,389,304, C>T on the plus strand (G>A on the coding strand, the complement: CELSR1 is on the minus strand). VCF-style: chr22-46389304-C-T. GRCh37 (hg19) VCF-style: chr22-46785201-C-T.
Other names: c.6541G>A, p.Ala2181Thr (NM_014246.4); short protein forms A2181T.
Identifiers: ClinVar variation 2379717 (VCV002379717.20), dbSNP rs200795497, ClinGen allele CA10293754.
Genomic context (GRCh38, chr22:46,389,304, plus strand): 5'-AGTGTCCCCGAGTGTCCCCGAGCCAGGGTGGCGGCCACCCGCCTACCTCGTGAAAGTCGG[C>T]GTCCTGCGTGGCTGCCAGGTCGAAGCCCTGCTGCCAGCTCTCGTGCTGAAGGACGTGGCC-3'
Protein context (NP_001365257.1, residues 2171-2191): QGFDLAATQD[Ala2181Thr]DFHEDVIHSG

ClinVar aggregate classification (germline): Conflicting classifications of pathogenicity. Review status: criteria provided, conflicting classifications (1 of 4 stars). 2 submissions from 2 submitters: Uncertain significance (1); Likely benign (1). Last evaluated 2025-02-01.

Allele frequency attached by ClinVar (database versions not stated): ESP Exome Variant Server 0.00008; ExAC 0.00011; gnomAD exomes 0.00012; 1000 Genomes Project 30x 0.00016; TOPMed 0.00019; 1000 Genomes Project 0.00020; gnomAD 0.00020.
gnomAD v4.1: 211 of 1,606,498 alleles (0.013%); highest among the groups gnomAD compares: Non-Finnish European, 0.016%; no homozygotes.

Submissions (2):

CeGaT Center for Human Genetics Tuebingen
Classification: Likely benign. Last evaluated: 2025-02-01. Review status: criteria provided, single submitter. Criteria: CeGaT Center For Human Genetics Tuebingen Variant Classification Criteria Version 2. Collection method: clinical testing. Allele origin: germline. Affected: yes. Observed: 2 variant alleles.
Comment: CELSR1: BP4

Ambry Genetics
Classification: Uncertain significance. Last evaluated: 2024-08-01. Review status: criteria provided, single submitter. Criteria: Ambry Variant Classification Scheme 2023. Collection method: clinical testing. Allele origin: germline.